The following is an entry in ClinVar:

NM_005359.6(SMAD4):c.1134_1135del (p.Arg378fs)

Gene: SMAD4 (SMAD family member 4; plus strand). Cytogenetic location: 18q21.2.
Variant type: Microsatellite.
Coding change: c.1134_1135del on transcript NM_005359.6 (MANE Select); coding-DNA positions 1134 to 1135, 2 bases deleted (AG; older notation c.1134_1135delAG).
Protein change: p.Arg378fs; shifts the reading frame from arginine 378.
Molecular consequence: frameshift variant.
Genome position (GRCh38, 1-based): chr18:51,065,601-51,065,602, AG deleted; deleting any 2 consecutive bases within chr18:51,065,596-51,065,602 gives the same sequence; the c. name uses the placement nearest the transcript's 3' end. VCF-style (leftmost placement, unchanged base first): chr18-51065595-TGA-T. GRCh37 (hg19) VCF-style: chr18-48591965-TGA-T.
Other names: c.1134_1135delAG (NM_005359.5); short protein forms R378fs.
Identifiers: ClinVar variation 545822 (VCV000545822.13), dbSNP rs1555686503, ClinGen allele CA645609170.

ClinVar aggregate classification (germline): Pathogenic. Review status: criteria provided, multiple submitters, no conflicts (2 of 4 stars). 4 submissions from 4 submitters: Pathogenic (4). Last evaluated 2025-08-05.

Conditions:
Juvenile polyposis syndrome (JPS). Identifiers: Orphanet 2929, MedGen C0345893, MONDO:0017380, OMIM 174900.
Hereditary cancer-predisposing syndrome. Also called: Hereditary neoplastic syndrome; Tumor predisposition; Neoplastic Syndromes, Hereditary; Hereditary Cancer Syndrome. Identifiers: Orphanet 140162, MedGen C0027672, MeSH D009386, MONDO:0015356.
Familial thoracic aortic aneurysm and aortic dissection (TAAD). Also called: Thoracic aortic aneurysms and dissections. Identifiers: Orphanet 91387, MedGen C4707243, MONDO:0019625.
Juvenile polyposis/hereditary hemorrhagic telangiectasia syndrome (JPHT). Also called: Juvenile Polyposis Syndrome / Hereditary Hemorrhagic Telangiectasia (JPS/HHT); JP/HHT SYNDROME; JUVENILE POLYPOSIS WITH HEREDITARY HEMORRHAGIC TELANGIECTASIA; POLYPOSIS, GENERALIZED JUVENILE, WITH PULMONARY ARTERIOVENOUS MALFORMATION; TELANGIECTASIA, HEREDITARY HEMORRHAGIC, WITH JUVENILE POLYPOSIS COLI. Identifiers: Orphanet 2929, MedGen C1832942, MONDO:0008278, OMIM 175050.

Submissions (4):

Labcorp Genetics (formerly Invitae), Labcorp
Classification: Pathogenic for Juvenile polyposis syndrome. Last evaluated: 2025-08-05. Review status: criteria provided, single submitter. Criteria: Invitae Variant Classification Sherloc (09022015). Collection method: clinical testing. Allele origin: germline.
Comment: This sequence change creates a premature translational stop signal (p.Arg378Serfs*14) in the SMAD4 gene. It is expected to result in an absent or disrupted protein product. Loss-of-function variants in SMAD4 are known to be pathogenic (PMID: 16152648, 16436638, 22810475). This variant is not present in population databases (gnomAD no frequency). This variant has not been reported in the literature in individuals affected with SMAD4-related conditions. For these reasons, this variant has been classified as Pathogenic.

Myriad Genetics, Inc.
Classification: Pathogenic for Juvenile polyposis/hereditary hemorrhagic telangiectasia syndrome. Last evaluated: 2024-02-09. Review status: criteria provided, single submitter. Criteria: Myriad Autosomal Dominant, Autosomal Recessive and X-Linked Classification Criteria (2023). Collection method: clinical testing. Allele origin: unknown.
Comment: This variant is considered pathogenic. This variant creates a frameshift predicted to result in premature protein truncation.

Ambry Genetics
Classification: Pathogenic for Hereditary cancer-predisposing syndrome; Familial thoracic aortic aneurysm and aortic dissection. Last evaluated: 2020-09-18. Review status: criteria provided, single submitter. Criteria: Ambry Variant Classification Scheme 2023. Collection method: clinical testing. Allele origin: germline.
Comment: The c.1134_1135delAG pathogenic mutation, located in coding exon 8 of the SMAD4 gene, results from a deletion of two nucleotides at nucleotide positions 1134 to 1135, causing a translational frameshift with a predicted alternate stop codon (p.R378Sfs*14). This alteration is expected to result in loss of function by premature protein truncation or nonsense-mediated mRNA decay. As such, this alteration is interpreted as a disease-causing mutation.

GeneDx
Classification: Pathogenic. Last evaluated: 2017-09-12. Review status: criteria provided, single submitter. Criteria: GeneDx Variant Classification (06012015). Collection method: clinical testing. Allele origin: germline. Affected: yes.
Comment: This deletion of two nucleotides in SMAD4 is denoted c.1134_1135delAG at the cDNA level and p.Arg378SerfsX14 (R378SfsX14) at the protein level. The normal sequence, with the bases that are deleted in brackets, is AGAG[delAG]CAAG. The deletion causes a frameshift which changes an Arginine to a Serine at codon 378, and creates a premature stop codon at position 14 of the new reading frame. Although this variant has not, to our knowledge, been reported in the literature, it is predicted to cause loss of normal protein function through either protein truncation or nonsense-mediated mRNA decay. We consider this variant to be pathogenic.

Literature cited by the submitters: PubMed 16152648 (cited by Labcorp Genetics (formerly Invitae), Labcorp); PubMed 16436638 (cited by Labcorp Genetics (formerly Invitae), Labcorp); PubMed 22810475 (cited by Labcorp Genetics (formerly Invitae), Labcorp).